The following is an entry in ClinVar:

ClinVar aggregate classification (germline): Likely benign. Review status: criteria provided, multiple submitters, no conflicts (2 of 4 stars). 4 submissions from 4 submitters: Likely benign (3). 1 of the submissions does not count toward it. Last evaluated 2026-01-28.

Conditions:
COL27A1-related disorder. Also called: COL27A1-related condition.

Allele frequency attached by ClinVar (database versions not stated): gnomAD exomes 0.00003 and 0.00008; ExAC 0.00007; gnomAD 0.00031; TOPMed 0.00034; ESP Exome Variant Server 0.00038.
gnomAD v4.1: 96 of 1,614,176 alleles (0.0059%); highest among the groups gnomAD compares: African/African-American, 0.12%; no homozygotes.

Submissions (4):

Labcorp Genetics (formerly Invitae), Labcorp
Classification: Likely benign. Last evaluated: 2026-01-28. Review status: criteria provided, single submitter. Criteria: Invitae Variant Classification Sherloc (09022015). Collection method: clinical testing. Allele origin: germline.

Blueprint Genetics
Classification: Likely benign. Last evaluated: 2019-12-13. Review status: criteria provided, single submitter. Criteria: ACMG Guidelines, 2015. Collection method: clinical testing. Allele origin: germline.

Breakthrough Genomics
Classification: Likely benign. Review status: criteria provided, single submitter. Criteria: ACMG Guidelines, 2015. Collection method: not provided. Allele origin: germline. Inheritance: Autosomal recessive inheritance. Affected: yes.

PreventionGenetics, part of Exact Sciences
Classification: Likely benign for COL27A1-related condition. Last evaluated: 2023-05-02. Review status: no assertion criteria provided. Collection method: clinical testing. Allele origin: germline. Not counted in ClinVar's aggregate classification.
Comment: This variant is classified as likely benign based on ACMG/AMP sequence variant interpretation guidelines (Richards et al. 2015 PMID: 25741868, with internal and published modifications).

NM_032888.4(COL27A1):c.2323-8C>T

Gene: COL27A1 (collagen type XXVII alpha 1 chain; plus strand). Cytogenetic location: 9q32.
Variant type: single nucleotide variant.
Coding change: c.2323-8C>T on transcript NM_032888.4 (MANE Select); 8 bases into the intron before coding-DNA position 2323, C replaced by T.
Molecular consequence: intron variant.
Genome position (GRCh38, 1-based): chr9:114,210,974, C>T. VCF-style: chr9-114210974-C-T. GRCh37 (hg19) VCF-style: chr9-116973254-C-T.
Identifiers: ClinVar variation 750763 (VCV000750763.14), dbSNP rs376355086, ClinGen allele CA5201803.
Genomic context (GRCh38, chr9:114,210,974, plus strand): 5'-GTTTGGGGCAAGCCTGGCTGTCCCTGCTGGCATCCTGCCCTGACCTCTCCCCTGTCTCTC[C>T]CCTGCAGGGCCTGCCTGGCGTTCCTGGCAAGAGGGGCAAGATGGGTATGCCGGTAAAGAT-3'